The following is an entry in ClinVar:

NM_000439.5(PCSK1):c.710-8T>G

Genes: PCSK1 (proprotein convertase subtilisin/kexin type 1; minus strand), CAST (calpastatin; plus strand), LOC101929710 (uncharacterized LOC101929710; plus strand). Cytogenetic location: 5q15.
Variant type: single nucleotide variant.
Coding change: c.710-8T>G on transcript NM_000439.5 (MANE Select); 8 bases into the intron before coding-DNA position 710, T replaced by G.
Molecular consequence: intron variant.
Genome position (GRCh38, 1-based): chr5:96,412,498, A>C on the plus strand (T>G on the coding strand, the complement: PCSK1 is on the minus strand). VCF-style: chr5-96412498-A-C. GRCh37 (hg19) VCF-style: chr5-95748202-A-C.
Other names: c.569-8T>G (NM_001177875.2); c.710-8T>G (NM_000439.4).
Identifiers: ClinVar variation 1991238 (VCV001991238.5), dbSNP rs1760788075, ClinGen allele CA1565410276.

ClinVar aggregate classification (germline): Likely benign. Review status: criteria provided, single submitter (1 of 4 stars). 2 submissions from 2 submitters: Likely benign (1). 1 of the submissions does not count toward it. Last evaluated 2025-07-21.

Conditions:
PCSK1-related disorder. Also called: PCSK1-related condition.

Allele frequency attached by ClinVar (database versions not stated): gnomAD exomes below 0.00001; TOPMed 0.00004.
gnomAD v4.1: 2 of 1,612,994 alleles (0.00012%); highest among the groups gnomAD compares: Admixed American, 0.0033%; no homozygotes.

Submissions (2):

Labcorp Genetics (formerly Invitae), Labcorp
Classification: Likely benign. Last evaluated: 2025-07-21. Review status: criteria provided, single submitter. Criteria: Invitae Variant Classification Sherloc (09022015). Collection method: clinical testing. Allele origin: germline.

PreventionGenetics, part of Exact Sciences
Classification: Likely benign for PCSK1-related condition. Last evaluated: 2021-07-03. Review status: no assertion criteria provided. Collection method: clinical testing. Allele origin: germline. Not counted in ClinVar's aggregate classification.
Comment: This variant is classified as likely benign based on ACMG/AMP sequence variant interpretation guidelines (Richards et al. 2015 PMID: 25741868, with internal and published modifications).